The following is an entry in ClinVar:

ClinVar aggregate classification (germline): Uncertain significance (1 of 4 stars; one submission).

Submission:

CeGaT Center for Human Genetics Tuebingen
Classification: Uncertain significance. Last evaluated: 2026-09-01. Review status: criteria provided, single submitter. Criteria: CeGaT Center For Human Genetics Tuebingen Variant Classification Criteria Version 2. Collection method: clinical testing. Allele origin: germline. Affected: yes. Observed: 1 variant allele.
Comment: CDKL5: PM2:Supporting

NM_001323289.2(CDKL5):c.2376A>G (p.Thr792=)

Gene: CDKL5 (cyclin dependent kinase like 5; plus strand). Cytogenetic location: Xp22.13.
Variant type: single nucleotide variant.
Coding change: c.2376A>G on transcript NM_001323289.2 (MANE Select); coding-DNA position 2376, A replaced by G.
Protein change: p.Thr792=; no amino-acid change (threonine 792 retained).
Molecular consequence: synonymous variant.
Genome position (GRCh38, 1-based): chrX:18,619,966, A>G. VCF-style: chrX-18619966-A-G. GRCh37 (hg19) VCF-style: chrX-18638086-A-G.
Other names: c.2376A>G, p.Thr792= (NM_001037343.2, NM_003159.3).
Identifiers: ClinVar variation 5041231 (VCV005041231.1).